The following is an entry in ClinVar:

ClinVar aggregate classification (germline): Uncertain significance (1 of 4 stars; one submission).

Submission:

Ambry Genetics
Classification: Uncertain significance. Last evaluated: 2024-12-16. Review status: criteria provided, single submitter. Criteria: Ambry Variant Classification Scheme 2023. Collection method: clinical testing. Allele origin: germline.
Comment: The p.S1728F variant (also known as c.5183C>T), located in coding exon 22 of the WNK2 gene, results from a C to T substitution at nucleotide position 5183. The serine at codon 1728 is replaced by phenylalanine, an amino acid with highly dissimilar properties. This amino acid position is conserved. In addition, the in silico prediction for this alteration is inconclusive. Based on the available evidence, the clinical significance of this variant remains unclear.

NM_006648.4(WNK2):c.5183C>T (p.Ser1728Phe)

Gene: WNK2 (WNK lysine deficient protein kinase 2; plus strand). Cytogenetic location: 9q22.31.
Variant type: single nucleotide variant.
Coding change: c.5183C>T on transcript NM_006648.4 (MANE Select); coding-DNA position 5183, C replaced by T.
Protein change: p.Ser1728Phe; replaces serine 1728 with phenylalanine.
Molecular consequence: missense variant.
Genome position (GRCh38, 1-based): chr9:93,292,648, C>T. VCF-style: chr9-93292648-C-T. GRCh37 (hg19) VCF-style: chr9-96054930-C-T.
Other names: c.5294C>T, p.Ser1765Phe (NM_001282394.3); short protein forms S1728F, S1765F.
Identifiers: ClinVar variation 3816507 (VCV003816507.1).